The following is an entry in ClinVar:

NM_000492.4(CFTR):c.1407G>T (p.Met469Ile)

Genes: CFTR (CF transmembrane conductance regulator; plus strand), CFTR-AS1 (CFTR antisense RNA 1; minus strand). Cytogenetic location: 7q31.2.
Variant type: single nucleotide variant.
Coding change: c.1407G>T on transcript NM_000492.4 (MANE Select); coding-DNA position 1407, G replaced by T.
Protein change: p.Met469Ile; replaces methionine 469 with isoleucine.
Molecular consequence: missense variant.
Genome position (GRCh38, 1-based): chr7:117,559,478, G>T. VCF-style: chr7-117559478-G-T. GRCh37 (hg19) VCF-style: chr7-117199532-G-T.
Other names: p.Met469Ile; short protein forms M469I.
Identifiers: ClinVar variation 53249 (VCV000053249.6), dbSNP rs143218779, ClinGen allele CA326477.

ClinVar aggregate classification (germline): Uncertain significance. Review status: criteria provided, multiple submitters, no conflicts (2 of 4 stars). 6 submissions from 6 submitters: Uncertain significance (5). 1 of the submissions does not count toward it. Last evaluated 2026-08-03.

Conditions:
CFTR-related disorder (CFTR-RD). Also called: CFTR-related condition; CFTR-related disorders. Identifiers: MedGen C5924204, MONDO:7770004.
Cystic fibrosis (CF). Also called: MUCOVISCIDOSIS. Identifiers: Orphanet 586, MedGen C0010674, MONDO:0009061, OMIM 219700. Disease mechanism: loss of function.

Allele frequency attached by ClinVar (database versions not stated): gnomAD 0.00001; TOPMed 0.00001; ESP Exome Variant Server 0.00008.
gnomAD v4.1: 7 of 1,604,304 alleles (0.00044%); highest among the groups gnomAD compares: East Asian, 0.013%; no homozygotes.

Submissions (6):

PreventionGenetics, part of Exact Sciences
Classification: Uncertain significance for CFTR-related condition. Last evaluated: 2026-08-03. Review status: criteria provided, single submitter. Criteria: ACMG Guidelines, 2015. Collection method: clinical testing. Allele origin: germline.
Comment: The CFTR c.1407G>T variant is predicted to result in the amino acid substitution p.Met469Ile. This variant has been reported in individuals with congenital absence of vas deferens (CAVD) and it is unclear if a second CFTR variant was present (Wu et al. 2005. PubMed ID: 15905293; Yuan et al. 2019. PubMed ID: 30811104; Luo et al. 2020. PubMed ID: 32777524). A different substitution affecting the same amino acid (p.Met469Val) has been reported in the individuals with congenital bilateral absence of vas deferens (CBAVD), chronic pancreatitis, or cystic fibrosis (CF) (Lu et al. 2013. PubMed ID: 23953609; Lu et al. 2014. PubMed ID: 24559724; Xiao et al. 2017. PubMed ID: 29173301; Supplementary Table S1, Fang et al. 2022. PubMed ID: 36437957; Sachdeva et al. 2012. PubMed ID: 22299590). This variant is reported in 0.038% of alleles in individuals of East Asian descent in gnomAD. At this time, the clinical significance of this variant is uncertain due to the absence of conclusive functional and genetic evidence.

Mayo Clinic Laboratories, Mayo Clinic
Classification: Uncertain significance. Last evaluated: 2025-10-09. Review status: criteria provided, single submitter. Criteria: ACMG Guidelines, 2015. Collection method: clinical testing. Allele origin: germline. Observed: 1 variant allele.
Comment: PP3_moderate, PM3_supporting

Ambry Genetics
Classification: Uncertain significance for Cystic fibrosis. Last evaluated: 2024-12-18. Review status: criteria provided, single submitter. Criteria: Ambry Variant Classification Scheme 2023. Collection method: clinical testing. Allele origin: germline.
Comment: The p.M469I variant (also known as c.1407G>T), located in coding exon 11 of the CFTR gene, results from a G to T substitution at nucleotide position 1407. The methionine at codon 469 is replaced by isoleucine, an amino acid with highly similar properties. This amino acid position is highly conserved in available vertebrate species. In addition, this alteration is predicted to be deleterious by in silico analysis. Based on the available evidence, the clinical significance of this variant remains unclear.

Labcorp Genetics (formerly Invitae), Labcorp
Classification: Uncertain significance for Cystic fibrosis. Last evaluated: 2024-06-28. Review status: criteria provided, single submitter. Criteria: Invitae Variant Classification Sherloc (09022015). Collection method: clinical testing. Allele origin: germline.
Comment: This sequence change replaces methionine, which is neutral and non-polar, with isoleucine, which is neutral and non-polar, at codon 469 of the CFTR protein (p.Met469Ile). This variant is present in population databases (rs143218779, gnomAD 0.04%). This missense change has been observed in individual(s) with congenital bilateral absence of the vas deferens (PMID: 15905293, 30811104, 32777524, 33374015). ClinVar contains an entry for this variant (Variation ID: 53249). Advanced modeling of protein sequence and biophysical properties (such as structural, functional, and spatial information, amino acid conservation, physicochemical variation, residue mobility, and thermodynamic stability) performed at Invitae indicates that this missense variant is expected to disrupt CFTR protein function with a positive predictive value of 80%. In summary, the available evidence is currently insufficient to determine the role of this variant in disease. Therefore, it has been classified as a Variant of Uncertain Significance.

Women's Health and Genetics/Laboratory Corporation of America, LabCorp
Classification: Uncertain significance. Last evaluated: 2023-10-16. Review status: criteria provided, single submitter. Criteria: LabCorp Variant Classification Summary - May 2015. Collection method: clinical testing. Allele origin: germline.
Comment: Variant summary: CFTR c.1407G>T (p.Met469Ile) results in a conservative amino acid change located in the ABC transporter-like, ATP-binding domain (IPR003439) of the encoded protein sequence. Three of five in-silico tools predict a damaging effect of the variant on protein function. The variant allele was found at a frequency of 3.2e-05 in 251252 control chromosomes (gnomAD). The available data on variant occurrences in the general population are insufficient to allow any conclusion about variant significance. c.1407G>T has been reported in the literature in individuals affected with Congenital Absence Of The Vas Deferens without strong evidence of causality (e.g. Wu_2005, Yuan_2019, Luo_2021). These reports do not provide unequivocal conclusions about association of the variant with Congenital Bilateral Absence Of The Vas Deferens. To our knowledge, no experimental evidence demonstrating an impact on protein function has been reported. The following publications have been ascertained in the context of this evaluation (PMID: 15905293, 33374015, 30811104, 25246892, 32777524). No submitters have cited clinical-significance assessments for this variant to ClinVar after 2014, although c.1407G>A (p.Met469Ile) was classified as uncertain significance by two submitters. Based on the evidence outlined above, the variant was classified as uncertain significance.

ClinVar Staff, National Center for Biotechnology Information (NCBI)
No classification provided. Condition: CFTR-related disorders. Review status: no classification provided. Collection method: literature only. Allele origin: germline. Affected: yes. Not counted in ClinVar's aggregate classification.

Literature cited by the submitters: PubMed 15905293 (cited by 5 submitters); PubMed 25246892 (cited by 3 submitters); PubMed 26277102 (cited by Mayo Clinic Laboratories, Mayo Clinic and Ambry Genetics); PubMed 28456595 (cited by Mayo Clinic Laboratories, Mayo Clinic and Ambry Genetics); PubMed 29216686 (cited by Mayo Clinic Laboratories, Mayo Clinic); PubMed 29766145 (cited by Mayo Clinic Laboratories, Mayo Clinic and Ambry Genetics); PubMed 30797621 (cited by Mayo Clinic Laboratories, Mayo Clinic and Ambry Genetics); PubMed 30811104 (cited by 4 submitters); PubMed 32777524 (cited by 3 submitters); PubMed 33374015 (cited by 3 submitters); PubMed 34306325 (cited by Mayo Clinic Laboratories, Mayo Clinic); PubMed 35913788 (cited by Mayo Clinic Laboratories, Mayo Clinic); PubMed 39402445 (cited by Mayo Clinic Laboratories, Mayo Clinic); PubMed 3079762 (cited by Ambry Genetics).